The following is an entry in ClinVar:

NM_003482.4(KMT2D):c.11397G>A (p.Gln3799=)

Gene: KMT2D (lysine methyltransferase 2D; minus strand). Cytogenetic location: 12q13.12.
Variant type: single nucleotide variant.
Coding change: c.11397G>A on transcript NM_003482.4 (MANE Select); coding-DNA position 11397, G replaced by A.
Protein change: p.Gln3799=; no amino-acid change (glutamine 3799 retained).
Molecular consequence: synonymous variant.
Genome position (GRCh38, 1-based): chr12:49,033,308, C>T on the plus strand (G>A on the coding strand, the complement: KMT2D is on the minus strand). VCF-style: chr12-49033308-C-T. GRCh37 (hg19) VCF-style: chr12-49427091-C-T.
Other names: c.11397G>A (NM_003482.3).
Identifiers: ClinVar variation 1097009 (VCV001097009.22), dbSNP rs751118917, ClinGen allele CA6546319.
Genomic context (GRCh38, chr12:49,033,308, plus strand): 5'-GCCCAAAGCTCCAGGGTGCTGCTGCTGCAACACAGCCACCTGGGCAGGGCCCAGCATGCC[C>T]TGGGGCCCCTGGGGTGGTTGAGGGGACAGCTGCTGGACCAGGAGGCCTTGGTGGCTGCTG-3'
Protein context (NP_003473.3, residues 3789-3809): QLSPQPPQGP[Gln3799=]GMLGPAQVAV

ClinVar aggregate classification (germline): Likely benign. Review status: criteria provided, multiple submitters, no conflicts (2 of 4 stars). 4 submissions from 4 submitters: Likely benign (3). 1 of the submissions does not count toward it. Last evaluated 2025-12-03.

Conditions:
Kabuki syndrome. Also called: Kabuki make-up syndrome; NIIKAWA-KUROKI SYNDROME. Identifiers: Orphanet 2322, MedGen C0796004, MONDO:0016512.
KMT2D-related disorder. Also called: KMT2D-Related Disorders.

Allele frequency attached by ClinVar (database versions not stated): gnomAD 0.00001; TOPMed 0.00001; gnomAD exomes 0.00002; ExAC 0.00003.
gnomAD v4.1: 31 of 1,590,522 alleles (0.0019%); highest among the groups gnomAD compares: Non-Finnish European, 0.0027%; no homozygotes.

Submissions (4):

Labcorp Genetics (formerly Invitae), Labcorp
Classification: Likely benign for Kabuki syndrome. Last evaluated: 2025-12-03. Review status: criteria provided, single submitter. Criteria: Invitae Variant Classification Sherloc (09022015). Collection method: clinical testing. Allele origin: germline.

CeGaT Center for Human Genetics Tuebingen
Classification: Likely benign. Last evaluated: 2025-05-01. Review status: criteria provided, single submitter. Criteria: CeGaT Center For Human Genetics Tuebingen Variant Classification Criteria Version 2. Collection method: clinical testing. Allele origin: germline. Affected: yes. Observed: 1 variant allele.
Comment: KMT2D: BP4, BS2

Blueprint Genetics
Classification: Likely benign. Last evaluated: 2023-11-28. Review status: criteria provided, single submitter. Criteria: ACMG Guidelines, 2015. Collection method: clinical testing. Allele origin: germline.

PreventionGenetics, part of Exact Sciences
Classification: Likely benign for KMT2D-related condition. Last evaluated: 2022-10-03. Review status: no assertion criteria provided. Collection method: clinical testing. Allele origin: germline. Not counted in ClinVar's aggregate classification.
Comment: This variant is classified as likely benign based on ACMG/AMP sequence variant interpretation guidelines (Richards et al. 2015 PMID: 25741868, with internal and published modifications).